The following is an entry in ClinVar:

ClinVar aggregate classification (germline): Uncertain significance (1 of 4 stars; one submission).

Conditions:
Werner syndrome (WRN). Identifiers: Orphanet 902, MedGen C0043119, MONDO:0010196, OMIM 277700.

Submission:

Labcorp Genetics (formerly Invitae), Labcorp
Classification: Uncertain significance for Werner syndrome. Last evaluated: 2022-10-07. Review status: criteria provided, single submitter. Criteria: Invitae Variant Classification Sherloc (09022015). Collection method: clinical testing. Allele origin: germline.
Comment: This sequence change replaces serine, which is neutral and polar, with phenylalanine, which is neutral and non-polar, at codon 52 of the WRN protein (p.Ser52Phe). This variant is not present in population databases (gnomAD no frequency). This variant has not been reported in the literature in individuals affected with WRN-related conditions. ClinVar contains an entry for this variant (Variation ID: 836046). Algorithms developed to predict the effect of missense changes on protein structure and function are either unavailable or do not agree on the potential impact of this missense change (SIFT: "Not Available"; PolyPhen-2: "Benign"; Align-GVGD: "Not Available"). In summary, the available evidence is currently insufficient to determine the role of this variant in disease. Therefore, it has been classified as a Variant of Uncertain Significance.

NM_000553.6(WRN):c.155C>T (p.Ser52Phe)

Gene: WRN (WRN RecQ like helicase; plus strand). Cytogenetic location: 8p12.
Variant type: single nucleotide variant.
Coding change: c.155C>T on transcript NM_000553.6 (MANE Select); coding-DNA position 155, C replaced by T.
Protein change: p.Ser52Phe; replaces serine 52 with phenylalanine.
Molecular consequence: missense variant.
Genome position (GRCh38, 1-based): chr8:31,059,211, C>T. VCF-style: chr8-31059211-C-T. GRCh37 (hg19) VCF-style: chr8-30916727-C-T.
Other names: short protein forms S52F.
Identifiers: ClinVar variation 836046 (VCV000836046.6), dbSNP rs1812390262, ClinGen allele CA370912541.
Genomic context (GRCh38, chr8:31,059,211, plus strand): 5'-AGGCATGTGTTCGGAAGAGTGTTTTTGAAGATGACCTCCCCTTCTTAGAATTCACTGGAT[C>T]CATTGTGTATAGTTACGATGCTAGTGATTGCTCTTTCCTGTCAGAAGATATTAGGTAAGT-3'
Protein context (NP_000544.2, residues 42-62): DDLPFLEFTG[Ser52Phe]IVYSYDASDC